The following is an entry in ClinVar:

ClinVar aggregate classification (germline): Likely pathogenic (1 of 4 stars; one submission).

Submission:

Labcorp Genetics (formerly Invitae), Labcorp
Classification: Likely pathogenic. Last evaluated: 2025-12-26. Review status: criteria provided, single submitter. Criteria: Invitae Variant Classification Sherloc (09022015). Collection method: clinical testing. Allele origin: germline.
Comment: This sequence change affects an acceptor splice site in intron 13 of the ABCA4 gene. It is expected to disrupt RNA splicing. Variants that disrupt the donor or acceptor splice site typically lead to a loss of protein function (PMID: 16199547), and loss-of-function variants in ABCA4 are known to be pathogenic (PMID: 10958761, 24938718, 25312043, 26780318). This variant is not present in population databases (gnomAD no frequency). Disruption of this splice site has been observed in individual(s) with ABCA4-related conditions (PMID: 10874631, 28041643, 29971439, 36819107, 38219857). Algorithms developed to predict the effect of sequence changes on RNA splicing suggest that this variant may disrupt the consensus splice site. In summary, the currently available evidence indicates that the variant is pathogenic, but additional data are needed to prove that conclusively. Therefore, this variant has been classified as Likely Pathogenic.

Literature cited by the submitters: PubMed 16199547; PubMed 10958761; PubMed 24938718; PubMed 25312043; PubMed 26780318; PubMed 10874631; PubMed 28041643; PubMed 29971439; PubMed 36819107; PubMed 38219857.

NM_000350.3(ABCA4):c.1938-1G>C

Gene: ABCA4 (ATP binding cassette subfamily A member 4; minus strand). Cytogenetic location: 1p22.1.
Variant type: single nucleotide variant.
Coding change: c.1938-1G>C on transcript NM_000350.3 (MANE Select); the canonical splice acceptor site of the intron before coding-DNA position 1938, G replaced by C.
Molecular consequence: splice acceptor variant.
Genome position (GRCh38, 1-based): chr1:94,060,760, C>G on the plus strand (G>C on the coding strand, the complement: ABCA4 is on the minus strand). VCF-style: chr1-94060760-C-G. GRCh37 (hg19) VCF-style: chr1-94526316-C-G.
Other names: c.1938-1G>C (NM_001425324.1).
Identifiers: ClinVar variation 4734197 (VCV004734197.1).